The following is an entry in ClinVar:

ClinVar aggregate classification (germline): Uncertain significance (1 of 4 stars; one submission).

Conditions:
ALG6-congenital disorder of glycosylation 1C (CDG1C). Also called: Congenital disorder of glycosylation type 1C; CARBOHYDRATE-DEFICIENT GLYCOPROTEIN SYNDROME, TYPE I, WITH DEFICIENT GLYCOSYLATION OF DOLICHOL-LINKED OLIGOSACCHARIDE; CARBOHYDRATE-DEFICIENT GLYCOPROTEIN SYNDROME, TYPE V; CDG Ic; Congenital disorder of glycosylation, type Ic. Identifiers: Orphanet 79320, MedGen C2930997, MONDO:0011291, OMIM 603147.

Allele frequency attached by ClinVar (database versions not stated): gnomAD exomes below 0.00001.
gnomAD v4.1: 1 of 1,613,260 alleles (0.000062%); highest among the groups gnomAD compares: Non-Finnish European, 0.000085%; no homozygotes.

Submission:

Labcorp Genetics (formerly Invitae), Labcorp
Classification: Uncertain significance for ALG6-congenital disorder of glycosylation 1C. Last evaluated: 2021-08-27. Review status: criteria provided, single submitter. Criteria: Invitae Variant Classification Sherloc (09022015). Collection method: clinical testing. Allele origin: germline.
Comment: This sequence change replaces serine with tyrosine at codon 497 of the ALG6 protein (p.Ser497Tyr). The serine residue is moderately conserved and there is a large physicochemical difference between serine and tyrosine. This variant is not present in population databases (ExAC no frequency). This variant has not been reported in the literature in individuals affected with ALG6-related conditions. Algorithms developed to predict the effect of missense changes on protein structure and function (SIFT, PolyPhen-2, Align-GVGD) all suggest that this variant is likely to be tolerated. In summary, the available evidence is currently insufficient to determine the role of this variant in disease. Therefore, it has been classified as a Variant of Uncertain Significance.

NM_013339.4(ALG6):c.1490C>A (p.Ser497Tyr)

Gene: ALG6 (ALG6 alpha-1,3-glucosyltransferase; plus strand). Cytogenetic location: 1p31.3.
Variant type: single nucleotide variant.
Coding change: c.1490C>A on transcript NM_013339.4 (MANE Select); coding-DNA position 1490, C replaced by A.
Protein change: p.Ser497Tyr; replaces serine 497 with tyrosine.
Molecular consequence: missense variant.
Genome position (GRCh38, 1-based): chr1:63,436,986, C>A. VCF-style: chr1-63436986-C-A. GRCh37 (hg19) VCF-style: chr1-63902657-C-A.
Other names: short protein forms S497Y.
Identifiers: ClinVar variation 1979287 (VCV001979287.1), dbSNP rs2523811495, ClinGen allele CA340642202.